The following is an entry in ClinVar:

NM_000135.4(FANCA):c.116G>A (p.Arg39Lys)

Gene: FANCA (FA complementation group A; minus strand). Cytogenetic location: 16q24.3.
Variant type: single nucleotide variant.
Coding change: c.116G>A on transcript NM_000135.4 (MANE Select); coding-DNA position 116, G replaced by A.
Protein change: p.Arg39Lys; replaces arginine 39 with lysine.
Molecular consequence: missense variant.
Genome position (GRCh38, 1-based): chr16:89,815,950, C>T on the plus strand (G>A on the coding strand, the complement: FANCA is on the minus strand). VCF-style: chr16-89815950-C-T. GRCh37 (hg19) VCF-style: chr16-89882358-C-T.
Other names: c.116G>A (LRG_495t1); c.116G>A, p.Arg39Lys (NM_001018112.3, NM_001286167.3, NM_001351830.2); short protein forms R39K.
Identifiers: ClinVar variation 649037 (VCV000649037.15), dbSNP rs151089298, ClinGen allele CA8253167.

ClinVar aggregate classification (germline): Conflicting classifications of pathogenicity. Review status: criteria provided, conflicting classifications (1 of 4 stars). 6 submissions from 6 submitters: Uncertain significance (3); Likely benign (2). 1 of the submissions does not count toward it. Last evaluated 2025-09-22.

Conditions:
Fanconi anemia complementation group A (FANCA). Also called: FANCA-Related Fanconi Anemia; Fanconi anemia, group A. Identifiers: Orphanet 84, MedGen C3469521, MONDO:0009215, OMIM 227650.
Fanconi anemia (FA). Also called: Fanconi's anemia. Identifiers: Orphanet 84, MedGen C0015625, MeSH D005199, MONDO:0019391.
Inborn genetic diseases. Identifiers: MedGen C0950123, MeSH D030342.

Allele frequency attached by ClinVar (database versions not stated): TOPMed 0.00010; 1000 Genomes Project 30x 0.00016; gnomAD 0.00016; 1000 Genomes Project 0.00020.
gnomAD v4.1: 51 of 1,614,120 alleles (0.0032%); highest among the groups gnomAD compares: African/African-American, 0.063%; no homozygotes.

Submissions (6):

Labcorp Genetics (formerly Invitae), Labcorp
Classification: Likely benign for Fanconi anemia. Last evaluated: 2025-09-22. Review status: criteria provided, single submitter. Criteria: Invitae Variant Classification Sherloc (09022015). Collection method: clinical testing. Allele origin: germline.

GeneDx
Classification: Uncertain significance. Last evaluated: 2025-08-07. Review status: criteria provided, single submitter. Criteria: GeneDx Variant Classification Process June 2021. Collection method: clinical testing. Allele origin: germline. Affected: yes.
Comment: In silico analysis suggests that this missense variant does not alter protein structure/function; Has not been previously published as pathogenic or benign to our knowledge

Ambry Genetics
Classification: Likely benign for Inborn genetic diseases. Last evaluated: 2024-11-17. Review status: criteria provided, single submitter. Criteria: Ambry Variant Classification Scheme 2023. Collection method: clinical testing. Allele origin: germline.

Fulgent Genetics
Classification: Uncertain significance for Fanconi anemia complementation group A. Last evaluated: 2024-05-29. Review status: criteria provided, single submitter. Criteria: ACMG Guidelines, 2015. Collection method: clinical testing. Allele origin: germline.

Baylor Genetics
Classification: Uncertain significance for Fanconi anemia complementation group A. Last evaluated: 2020-09-18. Review status: criteria provided, single submitter. Criteria: ACMG Guidelines, 2015. Collection method: clinical testing. Allele origin: unknown. Affected: yes. Study: CSER-TexasKidsCanSeq.
Comment: This variant was determined to be of uncertain significance according to ACMG Guidelines, 2015 [PMID:25741868].

Natera, Inc.
Classification: Uncertain significance for Fanconi anemia, group A. Last evaluated: 2020-01-17. Review status: no assertion criteria provided. Collection method: clinical testing. Allele origin: germline. Not counted in ClinVar's aggregate classification.